The following is an entry in ClinVar:

ClinVar aggregate classification (germline): Benign/Likely benign. Review status: criteria provided, multiple submitters, no conflicts (2 of 4 stars). 7 submissions from 7 submitters: Benign (1); Likely benign (4). 2 of the submissions do not count toward it. Last evaluated 2025-02-03.

Conditions:
NOTCH3-related disorder. Also called: NOTCH3-related condition; NOTCH3-related disorders.
Myofibromatosis, infantile, 2. Identifiers: Orphanet 2591, MedGen C3809084, MONDO:0014122, OMIM 615293.
Cerebral arteriopathy, autosomal dominant, with subcortical infarcts and leukoencephalopathy, type 1 (CADASIL1). Also called: CADASIL 1; CASIL; DEMENTIA, HEREDITARY MULTIINFARCT TYPE; Cerebral arteriopathy with subcortical infarcts and leukoencephalopathy 1. Identifiers: Orphanet 136, MedGen C4551768, MONDO:0000914, OMIM 125310.

Allele frequency attached by ClinVar (database versions not stated): TOPMed 0.00010; gnomAD 0.00011 and 0.00010; ESP Exome Variant Server 0.00008; gnomAD exomes 0.00009.

Submissions (7):

Labcorp Genetics (formerly Invitae), Labcorp
Classification: Likely benign. Last evaluated: 2025-02-03. Review status: criteria provided, single submitter. Criteria: Invitae Variant Classification Sherloc (09022015). Collection method: clinical testing. Allele origin: germline.

Blueprint Genetics
Classification: Likely benign. Last evaluated: 2024-11-27. Review status: criteria provided, single submitter. Criteria: ACMG Guidelines, 2015. Collection method: clinical testing. Allele origin: germline.

Genetics and Molecular Pathology, SA Pathology
Classification: Likely benign for Myofibromatosis, infantile, 2. Last evaluated: 2021-01-27. Review status: criteria provided, single submitter. Criteria: ACMG Guidelines, 2015. Collection method: clinical testing. Allele origin: germline. Inheritance: Autosomal dominant inheritance. Affected: yes.

Illumina Laboratory Services, Illumina
Classification: Likely benign for Cerebral arteriopathy, autosomal dominant, with subcortical infarcts and leukoencephalopathy, type 1. Last evaluated: 2018-01-12. Review status: criteria provided, single submitter. Criteria: ICSL Variant Classification Criteria 13 December 2019. Collection method: clinical testing. Allele origin: germline.
Comment: This variant was observed in the ICSL laboratory as part of a predisposition screen in an ostensibly healthy population. It had not been previously curated by ICSL or reported in the Human Gene Mutation Database (HGMD: prior to June 1st, 2018), and was therefore a candidate for classification through an automated scoring system. Utilizing variant allele frequency, disease prevalence and penetrance estimates, and inheritance mode, an automated score was calculated to assess if this variant is too frequent to cause the disease. Based on the score and internal cut-off values, a variant classified as likely benign is not then subjected to further curation. The score for this variant resulted in a classification of likely benign for this disease.

Athena Diagnostics
Classification: Benign. Last evaluated: 2017-06-28. Review status: criteria provided, single submitter. Criteria: Athena Diagnostics Criteria. Collection method: clinical testing. Allele origin: germline.

PreventionGenetics, part of Exact Sciences
Classification: Likely benign for NOTCH3-related condition. Last evaluated: 2022-03-17. Review status: no assertion criteria provided. Collection method: clinical testing. Allele origin: germline. Not counted in ClinVar's aggregate classification.
Comment: This variant is classified as likely benign based on ACMG/AMP sequence variant interpretation guidelines (Richards et al. 2015 PMID: 25741868, with internal and published modifications).

Department of Pathology and Laboratory Medicine, Sinai Health System
Classification: Uncertain significance. Review status: no assertion criteria provided. Collection method: clinical testing. Allele origin: unknown. Affected: yes. Study: The Canadian Open Genetics Repository (COGR). Not counted in ClinVar's aggregate classification.
Comment: The NOTCH3 p.Thr2270Met variant was not identified in the literature nor was it identified in LOVD 3.0. The variant was identified in dbSNP (ID: rs148716935) and ClinVar (classified as benign by Athena Diagnostics Inc). The variant was identified in control databases in 40 of 282300 chromosomes at a frequency of 0.0001417 (Genome Aggregation Database March 6, 2019, v2.1.1). The variant was observed in the following populations: Ashkenazi Jewish in 24 of 10356 chromosomes (freq: 0.002317), African in 3 of 24838 chromosomes (freq: 0.000121), Latino in 3 of 35424 chromosomes (freq: 0.000085) and European (non-Finnish) in 10 of 128818 chromosomes (freq: 0.000078), but was not observed in the East Asian, European (Finnish), Other, or South Asian populations. The p.Thr2270 residue is conserved across mammals and other organisms, and computational analyses (PolyPhen-2, SIFT, AlignGVGD, BLOSUM, MutationTaster) suggest that the variant may impact the protein; however, this information is not predictive enough to assume pathogenicity. The variant occurs outside of the splicing consensus sequence and in silico or computational prediction software programs (SpliceSiteFinder, MaxEntScan, NNSPLICE, GeneSplicer) do not predict a difference in splicing. In summary, based on the above information the clinical significance of this variant cannot be determined with certainty at this time. This variant is classified as a variant of uncertain significance.

NM_000435.3(NOTCH3):c.6809C>T (p.Thr2270Met)

Gene: NOTCH3 (notch receptor 3; minus strand). Cytogenetic location: 19p13.12.
Variant type: single nucleotide variant.
Coding change: c.6809C>T on transcript NM_000435.3 (MANE Select); coding-DNA position 6809, C replaced by T.
Protein change: p.Thr2270Met; replaces threonine 2270 with methionine.
Molecular consequence: missense variant.
Genome position (GRCh38, 1-based): chr19:15,160,819, G>A on the plus strand (C>T on the coding strand, the complement: NOTCH3 is on the minus strand). VCF-style: chr19-15160819-G-A. GRCh37 (hg19) VCF-style: chr19-15271630-G-A.
Other names: short protein forms T2270M.
Identifiers: ClinVar variation 447870 (VCV000447870.19), dbSNP rs148716935, ClinGen allele CA9262298.